The following is an entry in ClinVar:

NM_032043.3(BRIP1):c.1602_1606delinsC (p.Asp535fs)

Gene: BRIP1 (BRCA1 interacting DNA helicase 1; minus strand). Cytogenetic location: 17q23.2.
Variant type: Indel.
Coding change: c.1602_1606delinsC on transcript NM_032043.3 (MANE Select); coding-DNA positions 1602 to 1606, TGACT replaced by C.
Protein change: p.Asp535fs; shifts the reading frame from aspartic acid 535.
Molecular consequence: frameshift variant.
Genome position (GRCh38, 1-based): chr17:61,784,292-61,784,296, AGTCA replaced by G on the plus strand (TGACT replaced by C on the coding strand, the reverse complement: BRIP1 is on the minus strand). VCF-style: chr17-61784292-AGTCA-G. GRCh37 (hg19) VCF-style: chr17-59861653-AGTCA-G.
Other names: short protein forms D535fs.
Identifiers: ClinVar variation 2583394 (VCV002583394.2), dbSNP rs2145135739, ClinGen allele CA2582342285.

ClinVar aggregate classification (germline): Pathogenic (1 of 4 stars; one submission).

Conditions:
Familial cancer of breast. Also called: Hereditary breast cancer; BREAST CANCER, FAMILIAL; hereditary breast carcinoma. Identifiers: Orphanet 227535, MedGen C0346153, MONDO:0016419, OMIM 114480. Disease mechanism: loss of function.

Submission:

Myriad Genetics, Inc.
Classification: Pathogenic for Familial cancer of breast. Last evaluated: 2023-06-02. Review status: criteria provided, single submitter. Criteria: Myriad Autosomal Dominant, Autosomal Recessive and X-Linked Classification Criteria (2023). Collection method: clinical testing. Allele origin: unknown.
Comment: This variant is considered pathogenic. This variant creates a frameshift predicted to result in premature protein truncation.